The following is an entry in ClinVar:

ClinVar aggregate classification (germline): Uncertain significance. Review status: criteria provided, multiple submitters, no conflicts (2 of 4 stars). 2 submissions from 2 submitters: Uncertain significance (2). Last evaluated 2022-09-12.

Conditions:
Inborn genetic diseases. Identifiers: MedGen C0950123, MeSH D030342.
Mosaic variegated aneuploidy syndrome 1 (MVA1). Also called: Warburton-Anyane-Yeboa syndrome. Identifiers: Orphanet 1052, MedGen C1850343, MONDO:0009759, OMIM 257300.

gnomAD v4.1: 1 of 1,613,006 alleles (0.000062%); highest among the groups gnomAD compares: Non-Finnish European, 0.000085%; no homozygotes.

Submissions (2):

Ambry Genetics
Classification: Uncertain significance for Inborn genetic diseases. Last evaluated: 2022-09-12. Review status: criteria provided, single submitter. Criteria: Ambry Variant Classification Scheme 2023. Collection method: clinical testing. Allele origin: germline.
Comment: The p.M472L variant (also known as c.1414A>C), located in coding exon 11 of the BUB1B gene, results from an A to C substitution at nucleotide position 1414. The methionine at codon 472 is replaced by leucine, an amino acid with highly similar properties. This amino acid position is conserved. In addition, this alteration is predicted to be tolerated by in silico analysis. Since supporting evidence is limited at this time, the clinical significance of this alteration remains unclear.

Labcorp Genetics (formerly Invitae), Labcorp
Classification: Uncertain significance for Mosaic variegated aneuploidy syndrome 1. Last evaluated: 2019-11-04. Review status: criteria provided, single submitter. Criteria: Invitae Variant Classification Sherloc (09022015). Collection method: clinical testing. Allele origin: germline.
Comment: In summary, the available evidence is currently insufficient to determine the role of this variant in disease. Therefore, it has been classified as a Variant of Uncertain Significance. Algorithms developed to predict the effect of missense changes on protein structure and function output the following: SIFT: "Tolerated"; PolyPhen-2: "Benign"; Align-GVGD: "Class C0". The leucine amino acid residue is found in multiple mammalian species, suggesting that this missense change does not adversely affect protein function. These predictions have not been confirmed by published functional studies and their clinical significance is uncertain. This variant has not been reported in the literature in individuals with BUB1B-related conditions. This variant is not present in population databases (ExAC no frequency). This sequence change replaces methionine with leucine at codon 472 of the BUB1B protein (p.Met472Leu). The methionine residue is weakly conserved and there is a small physicochemical difference between methionine and leucine.

NM_001211.6(BUB1B):c.1414A>C (p.Met472Leu)

Gene: BUB1B (BUB1 mitotic checkpoint serine/threonine kinase B; plus strand). Cytogenetic location: 15q15.1.
Variant type: single nucleotide variant.
Coding change: c.1414A>C on transcript NM_001211.6 (MANE Select); coding-DNA position 1414, A replaced by C.
Protein change: p.Met472Leu; replaces methionine 472 with leucine.
Molecular consequence: missense variant.
Genome position (GRCh38, 1-based): chr15:40,200,256, A>C. VCF-style: chr15-40200256-A-C. GRCh37 (hg19) VCF-style: chr15-40492457-A-C.
Other names: short protein forms M472L.
Identifiers: ClinVar variation 953649 (VCV000953649.13), dbSNP rs2037548728, ClinGen allele CA391689615.